The following is an entry in ClinVar:

NM_001048174.2(MUTYH):c.283C>A (p.Leu95Met)

Gene: MUTYH (mutY DNA glycosylase; minus strand). Cytogenetic location: 1p34.1.
Variant type: single nucleotide variant.
Coding change: c.283C>A on transcript NM_001048174.2 (MANE Select); coding-DNA position 283, C replaced by A.
Protein change: p.Leu95Met; replaces leucine 95 with methionine.
Molecular consequence: missense variant. On other transcripts: synonymous variant (3), non-coding transcript variant (7).
Genome position (GRCh38, 1-based): chr1:45,333,306, G>T on the plus strand (C>A on the coding strand, the complement: MUTYH is on the minus strand). VCF-style: chr1-45333306-G-T. GRCh37 (hg19) VCF-style: chr1-45798978-G-T.
Other names: c.367C>A, p.Leu123Met (NM_001128425.2); c.328C>A, p.Leu110Met (NM_001293190.2); c.316C>A, p.Leu106Met (NM_001293191.2, NM_001407077.1); c.7C>A, p.Leu3Met (NM_001293192.2, NM_001293196.2, NM_001407091.1); c.283C>A, p.Leu95Met (NM_001293195.2, NM_001407070.1, NM_001407072.1 and 6 more transcripts); c.12C>A, p.Thr4= (NM_001350650.2, NM_001350651.2, NM_001407082.1); c.358C>A, p.Leu120Met (NM_001407069.1, NM_012222.3); c.286C>A, p.Leu96Met (NM_001407071.1, NM_001407078.1, NM_001407079.1 and 2 more transcripts); and 3 more; short protein forms L102M, L109M, L67M, L110M, L120M, L3M, L106M, L123M.
Identifiers: ClinVar variation 4113636 (VCV004113636.1).
Genomic context (GRCh38, chr1:45,333,306, plus strand): 5'-TCGAGGCAAAGTGGCCCTGCTCTCAGGAGATGTACTGACCAGCATATGCCCGCCTGTCCA[G>T]GTCCATCTCATCTTCTGCCTGTCAATGCAACCCCAGATGAGGAGTTAGGGTGGAGGGGGC-3'
Protein context (NP_001041639.1, residues 85-105): WRRRAEDEMD[Leu95Met]DRRAYAVWVS

ClinVar aggregate classification (germline): Uncertain significance (1 of 4 stars; one submission).

Conditions:
Hereditary cancer-predisposing syndrome. Also called: Hereditary neoplastic syndrome; Neoplastic Syndromes, Hereditary; Tumor predisposition; Hereditary Cancer Syndrome. Identifiers: Orphanet 140162, MedGen C0027672, MeSH D009386, MONDO:0015356.

Submission:

Ambry Genetics
Classification: Uncertain significance for Hereditary cancer-predisposing syndrome. Last evaluated: 2025-08-27. Review status: criteria provided, single submitter. Criteria: Ambry Variant Classification Scheme 2023. Collection method: clinical testing. Allele origin: germline.
Comment: The p.L123M variant (also known as c.367C>A), located in coding exon 4 of the MUTYH gene, results from a C to A substitution at nucleotide position 367. The leucine at codon 123 is replaced by methionine, an amino acid with highly similar properties. This amino acid position is conserved. In addition, this alteration is predicted to be tolerated by in silico analysis. Based on the available evidence, the clinical significance of this variant remains unclear.